The following is an entry in ClinVar:

ClinVar aggregate classification (germline): Uncertain significance (1 of 4 stars; one submission).

Conditions:
LAMA2-related muscular dystrophy (LAMA2-RD). Also called: Laminin alpha 2-related dystrophy. Identifiers: MedGen C5679788, MONDO:0100228.

Allele frequency attached by ClinVar (database versions not stated): TOPMed 0.00001.

Submission:

Labcorp Genetics (formerly Invitae), Labcorp
Classification: Uncertain significance for LAMA2-related muscular dystrophy. Last evaluated: 2022-08-22. Review status: criteria provided, single submitter. Criteria: Invitae Variant Classification Sherloc (09022015). Collection method: clinical testing. Allele origin: germline.
Comment: In summary, the available evidence is currently insufficient to determine the role of this variant in disease. Therefore, it has been classified as a Variant of Uncertain Significance. Algorithms developed to predict the effect of sequence changes on RNA splicing suggest that this variant is not likely to affect RNA splicing. This variant has not been reported in the literature in individuals affected with LAMA2-related conditions. This variant is not present in population databases (gnomAD no frequency). This sequence change affects codon 2997 of the LAMA2 mRNA. It is a 'silent' change, meaning that it does not change the encoded amino acid sequence of the LAMA2 protein. It affects a nucleotide within the consensus splice site.

NM_000426.4(LAMA2):c.8989T>C (p.Leu2997=)

Gene: LAMA2 (laminin subunit alpha 2; plus strand). Cytogenetic location: 6q22.33.
Variant type: single nucleotide variant.
Coding change: c.8989T>C on transcript NM_000426.4 (MANE Select); coding-DNA position 8989, T replaced by C.
Protein change: p.Leu2997=; no amino-acid change (leucine 2997 retained).
Molecular consequence: synonymous variant.
Genome position (GRCh38, 1-based): chr6:129,514,373, T>C. VCF-style: chr6-129514373-T-C. GRCh37 (hg19) VCF-style: chr6-129835518-T-C.
Other names: c.8977T>C, p.Leu2993= (NM_001079823.2).
Identifiers: ClinVar variation 2189826 (VCV002189826.4), dbSNP rs1161941524, ClinGen allele CA451936200.
Genomic context (GRCh38, chr6:129,514,373, plus strand): 5'-AACCATCATGATACTTCTTTAATGAAACCATCTGTGACTGTTCTATTTCCTACTTTCCAG[T>C]TGATGTTTCATGTGGACAATGGTGCGGGCAGATTCACTGCTGTCTATGATGCTGGGGTTC-3'
Protein context (NP_000417.3, residues 2987-3007): GMGIEMIDEK[Leu2997=]MFHVDNGAGR